The following is an entry in ClinVar:

NM_022167.4(XYLT2):c.320G>A (p.Arg107Gln)

Gene: XYLT2 (xylosyltransferase 2; plus strand). Cytogenetic location: 17q21.33.
Variant type: single nucleotide variant.
Coding change: c.320G>A on transcript NM_022167.4 (MANE Select); coding-DNA position 320, G replaced by A.
Protein change: p.Arg107Gln; replaces arginine 107 with glutamine.
Molecular consequence: missense variant.
Genome position (GRCh38, 1-based): chr17:50,353,814, G>A. VCF-style: chr17-50353814-G-A. GRCh37 (hg19) VCF-style: chr17-48431175-G-A.
Other names: short protein forms R107Q.
Identifiers: ClinVar variation 2973105 (VCV002973105.2), dbSNP rs761254841, ClinGen allele CA8646134.

ClinVar aggregate classification (germline): Uncertain significance. Review status: criteria provided, multiple submitters, no conflicts (2 of 4 stars). 2 submissions from 2 submitters: Uncertain significance (2). Last evaluated 2025-09-26.

Conditions:
Inborn genetic diseases. Identifiers: MedGen C0950123, MeSH D030342.

Allele frequency attached by ClinVar (database versions not stated): TOPMed 0.00002; gnomAD 0.00003; gnomAD exomes 0.00001; ExAC 0.00004.
gnomAD v4.1: 17 of 1,575,852 alleles (0.0011%); highest among the groups gnomAD compares: Middle Eastern, 0.017%; no homozygotes.

Submissions (2):

Ambry Genetics
Classification: Uncertain significance for Inborn genetic diseases. Last evaluated: 2025-09-26. Review status: criteria provided, single submitter. Criteria: Ambry Variant Classification Scheme 2023. Collection method: clinical testing. Allele origin: germline.

Labcorp Genetics (formerly Invitae), Labcorp
Classification: Uncertain significance. Last evaluated: 2023-08-05. Review status: criteria provided, single submitter. Criteria: Invitae Variant Classification Sherloc (09022015). Collection method: clinical testing. Allele origin: germline.
Comment: This variant has not been reported in the literature in individuals affected with XYLT2-related conditions. The frequency data for this variant in the population databases is considered unreliable, as metrics indicate poor data quality at this position in the gnomAD database. This sequence change replaces arginine, which is basic and polar, with glutamine, which is neutral and polar, at codon 107 of the XYLT2 protein (p.Arg107Gln). Advanced modeling of protein sequence and biophysical properties (such as structural, functional, and spatial information, amino acid conservation, physicochemical variation, residue mobility, and thermodynamic stability) performed at Invitae indicates that this missense variant is not expected to disrupt XYLT2 protein function. In summary, the available evidence is currently insufficient to determine the role of this variant in disease. Therefore, it has been classified as a Variant of Uncertain Significance.